The following is an entry in ClinVar:

NM_015631.6(TCTN3):c.770G>A (p.Arg257His)

Gene: TCTN3 (tectonic family member 3; minus strand). Cytogenetic location: 10q24.1.
Variant type: single nucleotide variant.
Coding change: c.770G>A on transcript NM_015631.6 (MANE Select); coding-DNA position 770, G replaced by A.
Protein change: p.Arg257His; replaces arginine 257 with histidine.
Molecular consequence: missense variant.
Genome position (GRCh38, 1-based): chr10:95,687,126, C>T on the plus strand (G>A on the coding strand, the complement: TCTN3 is on the minus strand). VCF-style: chr10-95687126-C-T. GRCh37 (hg19) VCF-style: chr10-97446883-C-T.
Other names: c.533G>A, p.Arg178His (NM_001143973.2); short protein forms R178H, R257H.
Identifiers: ClinVar variation 1338504 (VCV001338504.29), dbSNP rs758733887, ClinGen allele CA5621068.

ClinVar aggregate classification (germline): Conflicting classifications of pathogenicity. Review status: criteria provided, conflicting classifications (1 of 4 stars). 5 submissions from 5 submitters: Uncertain significance (2); Likely benign (3). Last evaluated 2025-12-23.

Conditions:
Orofacial-digital syndrome IV (OFD4). Also called: MOHR-MAJEWSKI SYNDROME; BARAITSER-BURN SYNDROME; Orofaciodigital syndrome IV; OFD SYNDROME WITH TIBIAL DEFECTS; OFD SYNDROME, BARAITSER-BURN TYPE; OFDS IV. Identifiers: Orphanet 2753, MedGen C0406727, MONDO:0009794, OMIM 258860.
Joubert syndrome 18 (JBTS18). Identifiers: Orphanet 2754, MedGen C3553758, MONDO:0013896, OMIM 614815.

Allele frequency attached by ClinVar (database versions not stated): TOPMed 0.00007; ExAC 0.00029.
gnomAD v4.1: 257 of 1,614,162 alleles (0.016%); highest among the groups gnomAD compares: South Asian, 0.19%; 1 homozygote.

Submissions (5):

Labcorp Genetics (formerly Invitae), Labcorp
Classification: Likely benign for Joubert syndrome 18; Orofacial-digital syndrome IV. Last evaluated: 2025-12-23. Review status: criteria provided, single submitter. Criteria: Invitae Variant Classification Sherloc (09022015). Collection method: clinical testing. Allele origin: germline.

Blueprint Genetics
Classification: Likely benign. Last evaluated: 2024-11-27. Review status: criteria provided, single submitter. Criteria: ACMG Guidelines, 2015. Collection method: clinical testing. Allele origin: germline.

CeGaT Center for Human Genetics Tuebingen
Classification: Likely benign. Last evaluated: 2024-09-01. Review status: criteria provided, single submitter. Criteria: CeGaT Center For Human Genetics Tuebingen Variant Classification Criteria Version 2. Collection method: clinical testing. Allele origin: germline. Affected: yes. Observed: 1 variant allele.
Comment: TCTN3: BP4

Centre of Medical Genetics, University Hospital Muenster
Classification: Uncertain significance. Last evaluated: 2022-04-12. Review status: criteria provided, single submitter. Criteria: ACMG Guidelines, 2015. Collection method: clinical testing. Allele origin: unknown. Affected: yes. Observed: 1 variant allele, 1 homozygote.
Comment: ACMG categories: PM2,BP1

Genetic Services Laboratory, University of Chicago
Classification: Uncertain significance. Last evaluated: 2020-07-09. Review status: criteria provided, single submitter. Criteria: ACMG Guidelines, 2015. Collection method: clinical testing. Allele origin: germline. Affected: no.
Comment: DNA sequence analysis of the TCTN3 gene demonstrated a sequence change, c.770G>A, in exon 6 that results in an amino acid change, p.Arg257His. This sequence change does not appear to have been previously described in patients with TCTN3-related disorders and has been described in the gnomAD database with a frequency of 0.19% in the South Asian sub-population (dbSNP rs758733887). The p.Arg257His change affects a highly conserved amino acid residue located in a domain of the TCTN3 protein that is known to be functional. In-silico pathogenicity prediction tools (SIFT, PolyPhen2, Align GVGD, REVEL) provide contradictory results for the p.Arg257His substitution. Due to these contrasting evidences and the lack of functional studies, the clinical significance of the p.Arg257His change remains unknown at this time.